The following is an entry in ClinVar:

NM_015046.7(SETX):c.3722C>T (p.Thr1241Ile)

Gene: SETX (senataxin; minus strand). Cytogenetic location: 9q34.13.
Variant type: single nucleotide variant.
Coding change: c.3722C>T on transcript NM_015046.7 (MANE Select); coding-DNA position 3722, C replaced by T.
Protein change: p.Thr1241Ile; replaces threonine 1241 with isoleucine.
Molecular consequence: missense variant.
Genome position (GRCh38, 1-based): chr9:132,327,876, G>A on the plus strand (C>T on the coding strand, the complement: SETX is on the minus strand). VCF-style: chr9-132327876-G-A. GRCh37 (hg19) VCF-style: chr9-135203263-G-A.
Other names: c.3722C>T, p.Thr1241Ile (NM_001351527.2, NM_001351528.2); short protein forms T1241I.
Identifiers: ClinVar variation 3751358 (VCV003751358.2).

ClinVar aggregate classification (germline): Uncertain significance (1 of 4 stars; one submission).

Conditions:
Spinocerebellar ataxia, autosomal recessive, with axonal neuropathy 2 (SCAN2). Also called: ATAXIA-OCULOMOTOR APRAXIA 2; Ataxia with Oculomotor Apraxia Type 2; Ataxia-ocular apraxia-2; Ataxia with Oculomotor Apraxia. Identifiers: Orphanet 64753, MedGen C1853761, MONDO:0018996, OMIM 606002.
Amyotrophic lateral sclerosis type 4 (ALS4). Also called: NEURONOPATHY, DISTAL HEREDITARY MOTOR, WITH PYRAMIDAL FEATURES; AMYOTROPHIC LATERAL SCLEROSIS 4, JUVENILE. Identifiers: Orphanet 357043, MedGen C1865409, MONDO:0011223, OMIM 602433.

Submission:

Labcorp Genetics (formerly Invitae), Labcorp
Classification: Uncertain significance for Amyotrophic lateral sclerosis type 4; Spinocerebellar ataxia, autosomal recessive, with axonal neuropathy 2. Last evaluated: 2024-12-23. Review status: criteria provided, single submitter. Criteria: Invitae Variant Classification Sherloc (09022015). Collection method: clinical testing. Allele origin: germline.
Comment: This sequence change replaces threonine, which is neutral and polar, with isoleucine, which is neutral and non-polar, at codon 1241 of the SETX protein (p.Thr1241Ile). This variant is not present in population databases (gnomAD no frequency). This variant has not been reported in the literature in individuals affected with SETX-related conditions. Invitae Evidence Modeling of protein sequence and biophysical properties (such as structural, functional, and spatial information, amino acid conservation, physicochemical variation, residue mobility, and thermodynamic stability) indicates that this missense variant is not expected to disrupt SETX protein function with a negative predictive value of 95%. In summary, the available evidence is currently insufficient to determine the role of this variant in disease. Therefore, it has been classified as a Variant of Uncertain Significance.